The following is an entry in ClinVar:

ClinVar aggregate classification (germline): Uncertain significance (1 of 4 stars; one submission).

Conditions:
Primary ciliary dyskinesia. Also called: Ciliary dyskinesia. Identifiers: Orphanet 244, MedGen C0008780, MONDO:0016575, HP:0012265.

gnomAD v4.1: 7 of 1,613,846 alleles (0.00043%); highest among the groups gnomAD compares: Non-Finnish European, 0.00051%; no homozygotes.

Submission:

Labcorp Genetics (formerly Invitae), Labcorp
Classification: Uncertain significance for Primary ciliary dyskinesia. Last evaluated: 2025-12-15. Review status: criteria provided, single submitter. Criteria: Invitae Variant Classification Sherloc (09022015). Collection method: clinical testing. Allele origin: germline.
Comment: This sequence change replaces aspartic acid, which is acidic and polar, with glycine, which is neutral and non-polar, at codon 3988 of the DNAH5 protein (p.Asp3988Gly). This variant is present in population databases (no rsID available, gnomAD 0.03%). This variant has not been reported in the literature in individuals affected with DNAH5-related conditions. Invitae Evidence Modeling of protein sequence and biophysical properties (such as structural, functional, and spatial information, amino acid conservation, physicochemical variation, residue mobility, and thermodynamic stability) indicates that this missense variant is not expected to disrupt DNAH5 protein function with a negative predictive value of 95%. In summary, the available evidence is currently insufficient to determine the role of this variant in disease. Therefore, it has been classified as a Variant of Uncertain Significance.

NM_001369.3(DNAH5):c.11963A>G (p.Asp3988Gly)

Gene: DNAH5 (dynein axonemal heavy chain 5; minus strand). Cytogenetic location: 5p15.2.
Variant type: single nucleotide variant.
Coding change: c.11963A>G on transcript NM_001369.3 (MANE Select); coding-DNA position 11963, A replaced by G.
Protein change: p.Asp3988Gly; replaces aspartic acid 3988 with glycine.
Molecular consequence: missense variant.
Genome position (GRCh38, 1-based): chr5:13,727,577, T>C on the plus strand (A>G on the coding strand, the complement: DNAH5 is on the minus strand). VCF-style: chr5-13727577-T-C. GRCh37 (hg19) VCF-style: chr5-13727686-T-C.
Other names: short protein forms D3988G.
Identifiers: ClinVar variation 4693972 (VCV004693972.1).
Genomic context (GRCh38, chr5:13,727,577, plus strand): 5'-GTTCTGTCAGGACACCAGGATCTAATAAGGAGAAGACGTCTGAAGCAGTCAAGAGATTTA[T>C]CATAGGCATTTGGAAGAGGTTCCTCCTCCGGGTTTTCCTTATCAAACCAAATTTTCCACA-3'
Protein context (NP_001360.1, residues 3978-3998): PEEEPLPNAY[Asp3988Gly]KSLDCFRRLL